The following is an entry in ClinVar:

NM_001458.5(FLNC):c.7309C>T (p.Arg2437Trp)

Genes: FLNC (filamin C; plus strand), FLNC-AS1 (FLNC antisense RNA 1; minus strand). Cytogenetic location: 7q32.1.
Variant type: single nucleotide variant.
Coding change: c.7309C>T on transcript NM_001458.5 (MANE Select); coding-DNA position 7309, C replaced by T.
Protein change: p.Arg2437Trp; replaces arginine 2437 with tryptophan.
Molecular consequence: missense variant.
Genome position (GRCh38, 1-based): chr7:128,856,575, C>T. VCF-style: chr7-128856575-C-T. GRCh37 (hg19) VCF-style: chr7-128496629-C-T.
Other names: c.7210C>T, p.Arg2404Trp (NM_001127487.2); short protein forms R2437W, R2404W.
Identifiers: ClinVar variation 579917 (VCV000579917.19), dbSNP rs756353876, ClinGen allele CA4476229.
Genomic context (GRCh38, chr7:128,856,575, plus strand): 5'-CAGGAGACGGGGCTCAAGGTGAACCAGCCAGCGTCCTTTGCCGTGCAGCTGAACGGTGCC[C>T]GGGGCGTGATTGATGCCCGGGTGCACACACCCTCGGGGGCTGTGGAGGAGTGCTACGTCT-3'
Protein context (NP_001449.3, residues 2427-2447): ASFAVQLNGA[Arg2437Trp]GVIDARVHTP

ClinVar aggregate classification (germline): Conflicting classifications of pathogenicity. Review status: criteria provided, conflicting classifications (1 of 4 stars). 5 submissions from 5 submitters: Uncertain significance (4); Likely benign (1). Last evaluated 2026-09-22.

Conditions:
Cardiovascular phenotype. Identifiers: MedGen CN230736.
Distal myopathy with posterior leg and anterior hand involvement. Also called: WILLIAMS DISTAL MYOPATHY. Identifiers: Orphanet 63273, MedGen C3279722, MONDO:0013550, OMIM 614065.
Myofibrillar myopathy 5. Also called: Filaminopathy (type); FILAMINOPATHY, AUTOSOMAL DOMINANT. Identifiers: Orphanet 171445, MedGen C1836050, MONDO:0012289, OMIM 609524.
Hypertrophic cardiomyopathy 26. Also called: Cardiomyopathy, familial hypertrophic, 26. Identifiers: Orphanet 75249, MedGen C4310749, MONDO:0014883, OMIM 617047.
Primary familial hypertrophic cardiomyopathy (HCM). Identifiers: Orphanet 99739, MedGen C0949658, MeSH D024741, MONDO:0024573. Inheritance: Various modes of inheritance.

Allele frequency attached by ClinVar (database versions not stated): ExAC 0.00003; gnomAD 0.00003; gnomAD exomes 0.00003; TOPMed 0.00005.
gnomAD v4.1: 93 of 1,612,726 alleles (0.0058%); highest among the groups gnomAD compares: African/African-American, 0.008%; no homozygotes.

Submissions (5):

Petrovsky National Research Centre of Surgery, The Federal Agency for Scientific Organizations
Classification: Uncertain significance for Primary familial hypertrophic cardiomyopathy. Last evaluated: 2026-09-22. Review status: criteria provided, single submitter. Criteria: ACMG Guidelines, 2015. Collection method: research. Allele origin: germline. Inheritance: Autosomal dominant inheritance. Affected: yes.
Comment: Clinvar (VCV000579917.18) contains 4 entries for this variant. NM_001458.5:c.7309C>T is in the Genome Aggregation Database (gnomAD) v4.1.0 with total AF=0.00005767 (Date of access 22-09-2026). This variant has not been reported in any study to our knowledge. Most in silico predictors are inconclusive in the results. In accordance with ACMG(2015) criteria this variant is classified as Variant of Uncertain Significance (VUS) with no applicable criteria.

Labcorp Genetics (formerly Invitae), Labcorp
Classification: Likely benign for Distal myopathy with posterior leg and anterior hand involvement; Myofibrillar myopathy 5; Hypertrophic cardiomyopathy 26. Last evaluated: 2025-12-22. Review status: criteria provided, single submitter. Criteria: Invitae Variant Classification Sherloc (09022015). Collection method: clinical testing. Allele origin: germline.

GeneDx
Classification: Uncertain significance. Last evaluated: 2025-01-14. Review status: criteria provided, single submitter. Criteria: GeneDx Variant Classification Process June 2021. Collection method: clinical testing. Allele origin: germline. Affected: yes.
Comment: Has not been previously published as pathogenic or benign to our knowledge; In silico analysis supports that this missense variant has a deleterious effect on protein structure/function

Ambry Genetics
Classification: Uncertain significance for Cardiovascular phenotype. Last evaluated: 2024-10-21. Review status: criteria provided, single submitter. Criteria: Ambry Variant Classification Scheme 2023. Collection method: clinical testing. Allele origin: germline.
Comment: The p.R2437W variant (also known as c.7309C>T), located in coding exon 44 of the FLNC gene, results from a C to T substitution at nucleotide position 7309. The arginine at codon 2437 is replaced by tryptophan, an amino acid with dissimilar properties. This amino acid position is well conserved in available vertebrate species. In addition, the in silico prediction for this alteration is inconclusive. Since supporting evidence is limited at this time, the clinical significance of this alteration remains unclear.

Revvity Omics, Revvity
Classification: Uncertain significance. Last evaluated: 2019-06-28. Review status: criteria provided, single submitter. Criteria: ACMG Guidelines, 2015. Collection method: clinical testing. Allele origin: germline.